The following is an entry in ClinVar:

NM_213599.3(ANO5):c.878+17G>A

Gene: ANO5 (anoctamin 5; plus strand). Cytogenetic location: 11p14.3.
Variant type: single nucleotide variant.
Coding change: c.878+17G>A on transcript NM_213599.3 (MANE Select); 17 bases into the intron after coding-DNA position 878, G replaced by A.
Molecular consequence: intron variant.
Genome position (GRCh38, 1-based): chr11:22,239,701, G>A. VCF-style: chr11-22239701-G-A. GRCh37 (hg19) VCF-style: chr11-22261247-G-A.
Other names: c.875+17G>A (NM_001142649.2).
Identifiers: ClinVar variation 384151 (VCV000384151.3), dbSNP rs749031281, ClinGen allele CA5923057.

ClinVar aggregate classification (germline): Likely benign. Review status: criteria provided, multiple submitters, no conflicts (2 of 4 stars). 2 submissions from 2 submitters: Likely benign (2). Last evaluated 2024-08-31.

Conditions:
Gnathodiaphyseal dysplasia (GDD). Also called: GNATHODIAPHYSEAL SCLEROSIS; OSTEOGENESIS IMPERFECTA WITH UNUSUAL SKELETAL LESIONS. Identifiers: Orphanet 53697, MedGen C1833736, MONDO:0008151, OMIM 166260.
Autosomal recessive limb-girdle muscular dystrophy type 2L (LGMDR12). Also called: Limb-girdle muscular dystrophy, type 2L; MUSCULAR DYSTROPHY, LIMB-GIRDLE, AUTOSOMAL RECESSIVE 12; Limb-Girdle Muscular Dystrophy R12 Anoctamin-5-Related (LGMD-R12). Identifiers: Orphanet 206549, MedGen C1969785, MONDO:0012652, OMIM 611307.

Allele frequency attached by ClinVar (database versions not stated): gnomAD below 0.00001 and 0.00001; gnomAD exomes 0.00002 and 0.00003; TOPMed 0.00002; ExAC 0.00003.
gnomAD v4.1: 31 of 1,535,004 alleles (0.002%); highest among the groups gnomAD compares: South Asian, 0.029%; 1 homozygote.

Submissions (2):

Labcorp Genetics (formerly Invitae), Labcorp
Classification: Likely benign for Autosomal recessive limb-girdle muscular dystrophy type 2L; Gnathodiaphyseal dysplasia. Last evaluated: 2024-08-31. Review status: criteria provided, single submitter. Criteria: Invitae Variant Classification Sherloc (09022015). Collection method: clinical testing. Allele origin: germline.

GeneDx
Classification: Likely benign. Last evaluated: 2016-03-15. Review status: criteria provided, single submitter. Criteria: GeneDx Variant Classification (06012015). Collection method: clinical testing. Allele origin: germline. Affected: yes.
Comment: This variant is considered likely benign or benign based on one or more of the following criteria: it is a conservative change, it occurs at a poorly conserved position in the protein, it is predicted to be benign by multiple in silico algorithms, and/or has population frequency not consistent with disease.